The following is an entry in ClinVar:

ClinVar aggregate classification (germline): Uncertain significance. Review status: criteria provided, multiple submitters, no conflicts (2 of 4 stars). 3 submissions from 3 submitters: Uncertain significance (3). Last evaluated 2025-07-21.

Conditions:
Hereditary nonpolyposis colorectal neoplasms. Identifiers: MedGen C0009405, MeSH D003123.
Hereditary cancer-predisposing syndrome. Also called: Neoplastic Syndromes, Hereditary; Hereditary Cancer Syndrome; Tumor predisposition; Hereditary neoplastic syndrome. Identifiers: Orphanet 140162, MedGen C0027672, MeSH D009386, MONDO:0015356.

Submissions (3):

Ambry Genetics
Classification: Uncertain significance for Hereditary cancer-predisposing syndrome. Last evaluated: 2025-07-21. Review status: criteria provided, single submitter. Criteria: Ambry Variant Classification Scheme 2023. Collection method: clinical testing. Allele origin: germline.
Comment: The p.G1002S variant (also known as c.3004G>A), located in coding exon 4 of the MSH6 gene, results from a G to A substitution at nucleotide position 3004. The glycine at codon 1002 is replaced by serine, an amino acid with similar properties. This amino acid position is highly conserved in available vertebrate species. In addition, this alteration is predicted to be deleterious by in silico analysis. Based on the available evidence, the clinical significance of this variant remains unclear.

Labcorp Genetics (formerly Invitae), Labcorp
Classification: Uncertain significance for Hereditary nonpolyposis colorectal neoplasms. Last evaluated: 2025-05-11. Review status: criteria provided, single submitter. Criteria: Invitae Variant Classification Sherloc (09022015). Collection method: clinical testing. Allele origin: germline.
Comment: This sequence change replaces glycine, which is neutral and non-polar, with serine, which is neutral and polar, at codon 1002 of the MSH6 protein (p.Gly1002Ser). This variant is not present in population databases (gnomAD no frequency). This variant has not been reported in the literature in individuals affected with MSH6-related conditions. ClinVar contains an entry for this variant (Variation ID: 142481). Invitae Evidence Modeling of protein sequence and biophysical properties (such as structural, functional, and spatial information, amino acid conservation, physicochemical variation, residue mobility, and thermodynamic stability) has been performed for this missense variant. However, the output from this modeling did not meet the statistical confidence thresholds required to predict the impact of this variant on MSH6 protein function. In summary, the available evidence is currently insufficient to determine the role of this variant in disease. Therefore, it has been classified as a Variant of Uncertain Significance.

Blueprint Genetics
Classification: Uncertain significance. Last evaluated: 2024-03-05. Review status: criteria provided, single submitter. Criteria: ACMG Guidelines, 2015. Collection method: clinical testing. Allele origin: germline.

NM_000179.3(MSH6):c.3004G>A (p.Gly1002Ser)

Gene: MSH6 (mutS homolog 6; plus strand). Cytogenetic location: 2p16.3.
Variant type: single nucleotide variant.
Coding change: c.3004G>A on transcript NM_000179.3 (MANE Select); coding-DNA position 3004, G replaced by A.
Protein change: p.Gly1002Ser; replaces glycine 1002 with serine.
Molecular consequence: missense variant.
Genome position (GRCh38, 1-based): chr2:47,800,987, G>A. VCF-style: chr2-47800987-G-A. GRCh37 (hg19) VCF-style: chr2-48028126-G-A.
Other names: c.2614G>A, p.Gly872Ser (NM_001281492.2); c.2098G>A, p.Gly700Ser (NM_001281493.2, NM_001281494.2); short protein forms G1002S, G872S, G700S.
Identifiers: ClinVar variation 142481 (VCV000142481.10), dbSNP rs587782491, ClinGen allele CA011330.